The following is an entry in ClinVar:

ClinVar aggregate classification (germline): Uncertain significance. Review status: criteria provided, multiple submitters, no conflicts (2 of 4 stars). 2 submissions from 2 submitters: Uncertain significance (2). Last evaluated 2023-01-24.

Allele frequency attached by ClinVar (database versions not stated): gnomAD exomes 0.00002; ExAC 0.00003.
gnomAD v4.1: 21 of 1,613,756 alleles (0.0013%); highest among the groups gnomAD compares: East Asian, 0.0022%; no homozygotes.

Submissions (2):

Blueprint Genetics
Classification: Uncertain significance. Last evaluated: 2023-01-24. Review status: criteria provided, single submitter. Criteria: ACMG Guidelines, 2015. Collection method: clinical testing. Allele origin: germline.

Labcorp Genetics (formerly Invitae), Labcorp
Classification: Uncertain significance. Last evaluated: 2021-09-01. Review status: criteria provided, single submitter. Criteria: Invitae Variant Classification Sherloc (09022015). Collection method: clinical testing. Allele origin: germline.
Comment: This sequence change replaces valine with isoleucine at codon 18 of the C8A protein (p.Val18Ile). The valine residue is moderately conserved and there is a small physicochemical difference between valine and isoleucine. This variant is present in population databases (rs768812752, ExAC 0.02%). This variant has not been reported in the literature in individuals affected with C8A-related conditions. Algorithms developed to predict the effect of missense changes on protein structure and function output the following: SIFT: "Tolerated"; PolyPhen-2: "Benign"; Align-GVGD: "Class C0". The isoleucine amino acid residue is found in multiple mammalian species, which suggests that this missense change does not adversely affect protein function. In summary, the available evidence is currently insufficient to determine the role of this variant in disease. Therefore, it has been classified as a Variant of Uncertain Significance.

NM_000562.3(C8A):c.52G>A (p.Val18Ile)

Gene: C8A (complement C8 alpha chain; plus strand). Cytogenetic location: 1p32.2.
Variant type: single nucleotide variant.
Coding change: c.52G>A on transcript NM_000562.3 (MANE Select); coding-DNA position 52, G replaced by A.
Protein change: p.Val18Ile; replaces valine 18 with isoleucine.
Molecular consequence: missense variant.
Genome position (GRCh38, 1-based): chr1:56,854,953, G>A. VCF-style: chr1-56854953-G-A. GRCh37 (hg19) VCF-style: chr1-57320626-G-A.
Other names: short protein forms V18I.
Identifiers: ClinVar variation 1497805 (VCV001497805.6), dbSNP rs768812752, ClinGen allele CA874885.
Genomic context (GRCh38, chr1:56,854,953, plus strand): 5'-CTGGCTGAGATGTTTGCTGTTGTTTTCTTCATCTTGTCTTTGATGACTTGTCAGCCTGGG[G>A]TAACTGCACAGGAGAAGGTGAACCAGTAAGTGGGCCATATGTCTCTGCAAAACTTGCACG-3'
Protein context (NP_000553.1, residues 8-28): ILSLMTCQPG[Val18Ile]TAQEKVNQRV